The following is an entry in ClinVar:

ClinVar aggregate classification (germline): Uncertain significance (0 of 4 stars; one submission).

Conditions:
NCOA1-related disorder. Also called: NCOA1-related condition.

Submission:

PreventionGenetics, part of Exact Sciences
Classification: Uncertain significance for NCOA1-related condition. Last evaluated: 2024-01-18. Review status: no assertion criteria provided. Collection method: clinical testing. Allele origin: germline.
Comment: The NCOA1 c.2615A>G variant is predicted to result in the amino acid substitution p.Glu872Gly. To our knowledge, this variant has not been reported in the literature or in a large population database, indicating this variant is rare. At this time, the clinical significance of this variant is uncertain due to the absence of conclusive functional and genetic evidence.

NM_003743.5(NCOA1):c.2615A>G (p.Glu872Gly)

Gene: NCOA1 (nuclear receptor coactivator 1; plus strand). Cytogenetic location: 2p23.3.
Variant type: single nucleotide variant.
Coding change: c.2615A>G on transcript NM_003743.5 (MANE Select); coding-DNA position 2615, A replaced by G.
Protein change: p.Glu872Gly; replaces glutamic acid 872 with glycine.
Molecular consequence: missense variant.
Genome position (GRCh38, 1-based): chr2:24,726,604, A>G. VCF-style: chr2-24726604-A-G. GRCh37 (hg19) VCF-style: chr2-24949473-A-G.
Other names: c.2615A>G, p.Glu872Gly (NM_001362950.1, NM_001362952.1, NM_001362954.1 and 3 more transcripts); short protein forms E872G.
Identifiers: ClinVar variation 3349770 (VCV003349770.1).